The following is an entry in ClinVar:

NM_000059.4(BRCA2):c.5444C>A (p.Thr1815Asn)

Gene: BRCA2 (BRCA2 DNA repair associated; plus strand). Cytogenetic location: 13q13.1.
Variant type: single nucleotide variant.
Coding change: c.5444C>A on transcript NM_000059.4 (MANE Select); coding-DNA position 5444, C replaced by A.
Protein change: p.Thr1815Asn; replaces threonine 1815 with asparagine.
Molecular consequence: missense variant.
Genome position (GRCh38, 1-based): chr13:32,339,799, C>A. VCF-style: chr13-32339799-C-A. GRCh37 (hg19) VCF-style: chr13-32913936-C-A.
Other names: short protein forms T1815N.
Identifiers: ClinVar variation 1475364 (VCV001475364.10), dbSNP rs587782031, ClinGen allele CA387785552.

ClinVar aggregate classification (germline): Conflicting classifications of pathogenicity. Review status: criteria provided, conflicting classifications (1 of 4 stars). 2 submissions from 2 submitters: Uncertain significance (1); Likely benign (1). Last evaluated 2025-06-02.

Conditions:
Hereditary cancer-predisposing syndrome. Also called: Neoplastic Syndromes, Hereditary; Hereditary Cancer Syndrome; Tumor predisposition; Hereditary neoplastic syndrome. Identifiers: Orphanet 140162, MedGen C0027672, MeSH D009386, MONDO:0015356.
Hereditary breast ovarian cancer syndrome. Also called: Breast and ovarian cancer; Hereditary breast and ovarian cancer; Hereditary breast and ovarian cancer syndrome; Hereditary breast and ovarian cancer syndrome (HBOC); BRCA1- and BRCA2-Associated Hereditary Breast and Ovarian Cancer; Hereditary breast and/or ovarian cancer syndrome. Identifiers: Orphanet 145, MedGen C0677776, MeSH D061325, MONDO:0003582. Disease mechanism: loss of function.

Submissions (2):

Labcorp Genetics (formerly Invitae), Labcorp
Classification: Uncertain significance for Hereditary breast ovarian cancer syndrome. Last evaluated: 2025-06-02. Review status: criteria provided, single submitter. Criteria: Invitae Variant Classification Sherloc (09022015). Collection method: clinical testing. Allele origin: germline.
Comment: This sequence change replaces threonine, which is neutral and polar, with asparagine, which is neutral and polar, at codon 1815 of the BRCA2 protein (p.Thr1815Asn). This variant is not present in population databases (gnomAD no frequency). This variant has not been reported in the literature in individuals affected with BRCA2-related conditions. ClinVar contains an entry for this variant (Variation ID: 1475364). Invitae Evidence Modeling of protein sequence and biophysical properties (such as structural, functional, and spatial information, amino acid conservation, physicochemical variation, residue mobility, and thermodynamic stability) indicates that this missense variant is not expected to disrupt BRCA2 protein function with a negative predictive value of 95%. In summary, the available evidence is currently insufficient to determine the role of this variant in disease. Therefore, it has been classified as a Variant of Uncertain Significance.

University of Washington Department of Laboratory Medicine, University of Washington
Classification: Likely benign for Hereditary cancer-predisposing syndrome. Last evaluated: 2023-03-23. Review status: criteria provided, single submitter. Criteria: Dines et al. (Genet Med. 2020). Collection method: curation. Allele origin: germline.
Comment: Missense variant in a coldspot region where missense variants are very unlikely to be pathogenic (PMID:31911673).

BRCA2 exon 11 coldspot. Reclassification based on statistical prior probability.